The following is an entry in ClinVar:

NC_000023.10:g.(?_122387134)_(122488834_?)dup

Gene: GRIA3 (glutamate ionotropic receptor AMPA type subunit 3; plus strand). Cytogenetic location: Xq25.
Variant type: Duplication.
Identifiers: ClinVar variation 2423414 (VCV002423414.4).

ClinVar aggregate classification (germline): Uncertain significance (1 of 4 stars; one submission).

Submission:

Labcorp Genetics (formerly Invitae), Labcorp
Classification: Uncertain significance. Last evaluated: 2022-05-30. Review status: criteria provided, single submitter. Criteria: Invitae Variant Classification Sherloc (09022015). Collection method: clinical testing. Allele origin: germline.
Comment: In summary, the available evidence is currently insufficient to determine the role of this variant in disease. Therefore, it has been classified as a Variant of Uncertain Significance. This variant has not been reported in the literature in individuals affected with GRIA3-related conditions. This variant results in a copy number gain of the genomic region encompassing exon(s) 3-5 of the GRIA3 gene. While the exact position of this variant cannot be determined from the data, sub-genic copy number gains are generally in tandem (PMID: 25640679). This variant is predicted to be out-of-frame, and may result in an absent or disrupted protein product. However, the current clinical and genetic evidence is not sufficient to establish whether loss-of-function variants in GRIA3 cause disease.

Literature cited by the submitters: PubMed 25640679.